The following is an entry in ClinVar:

ClinVar aggregate classification (germline): Uncertain significance (1 of 4 stars; one submission).

Submission:

Labcorp Genetics (formerly Invitae), Labcorp
Classification: Uncertain significance. Last evaluated: 2021-02-15. Review status: criteria provided, single submitter. Criteria: Invitae Variant Classification Sherloc (09022015). Collection method: clinical testing. Allele origin: germline.
Comment: In summary, the available evidence is currently insufficient to determine the role of this variant in disease. Therefore, it has been classified as a Variant of Uncertain Significance. Algorithms developed to predict the effect of sequence changes on RNA splicing suggest that this variant may create or strengthen a splice site, but this prediction has not been confirmed by published transcriptional studies. Algorithms developed to predict the effect of missense changes on protein structure and function are either unavailable or do not agree on the potential impact of this missense change (SIFT: "Tolerated"; PolyPhen-2: "Possibly Damaging"; Align-GVGD: "Class C0"). This variant has not been reported in the literature in individuals with FSCN2-related conditions. This variant is not present in population databases (ExAC no frequency). This sequence change replaces alanine with valine at codon 71 of the FSCN2 protein (p.Ala71Val). The alanine residue is moderately conserved and there is a small physicochemical difference between alanine and valine.

NM_012418.4(FSCN2):c.212C>T (p.Ala71Val)

Gene: FSCN2 (fascin actin-bundling protein 2, retinal; plus strand). Cytogenetic location: 17q25.3.
Variant type: single nucleotide variant.
Coding change: c.212C>T on transcript NM_012418.4 (MANE Select); coding-DNA position 212, C replaced by T.
Protein change: p.Ala71Val; replaces alanine 71 with valine.
Molecular consequence: missense variant.
Genome position (GRCh38, 1-based): chr17:81,528,743, C>T. VCF-style: chr17-81528743-C-T. GRCh37 (hg19) VCF-style: chr17-79495769-C-T.
Other names: c.212C>T, p.Ala71Val (NM_001077182.3); short protein forms A71V.
Identifiers: ClinVar variation 1439496 (VCV001439496.8), dbSNP rs2143847068, ClinGen allele CA401470290.